The following is an entry in ClinVar:

NM_001737.5(C9):c.274G>T (p.Glu92Ter)

Gene: C9 (complement C9; minus strand). Cytogenetic location: 5p13.1.
Variant type: single nucleotide variant.
Coding change: c.274G>T on transcript NM_001737.5 (MANE Select); coding-DNA position 274, G replaced by T.
Protein change: p.Glu92Ter; replaces glutamic acid 92 with a stop codon.
Molecular consequence: nonsense.
Genome position (GRCh38, 1-based): chr5:39,341,610, C>A on the plus strand (G>T on the coding strand, the complement: C9 is on the minus strand). VCF-style: chr5-39341610-C-A. GRCh37 (hg19) VCF-style: chr5-39341712-C-A.
Other names: short protein forms E92*.
Identifiers: ClinVar variation 4780004 (VCV004780004.1).

ClinVar aggregate classification (germline): Pathogenic (1 of 4 stars; one submission).

Submission:

Labcorp Genetics (formerly Invitae), Labcorp
Classification: Pathogenic. Last evaluated: 2025-11-03. Review status: criteria provided, single submitter. Criteria: Invitae Variant Classification Sherloc (09022015). Collection method: clinical testing. Allele origin: germline.
Comment: This sequence change creates a premature translational stop signal (p.Glu92*) in the C9 gene. It is expected to result in an absent or disrupted protein product. Loss-of-function variants in C9 are known to be pathogenic (PMID: 9144525, 9570574). This variant is not present in population databases (gnomAD no frequency). This variant has not been reported in the literature in individuals affected with C9-related conditions. For these reasons, this variant has been classified as Pathogenic.

Literature cited by the submitters: PubMed 9144525; PubMed 9570574.